The following is an entry in ClinVar:

Conditions:
Breast-ovarian cancer, familial, susceptibility to, 1 (BROVCA1). Also called: BRCA1 Hereditary Breast and Ovarian Cancer; OVARIAN CANCER, SUSCEPTIBILITY TO. Identifiers: Orphanet 145, MedGen C2676676, MONDO:0011450, OMIM 604370. Disease mechanism: loss of function.

Submission:

Brotman Baty Institute, University of Washington
No classification provided (evidence only). Condition: Breast-ovarian cancer, familial 1. Review status: no classification provided. Collection method: in vitro. Allele origin: not applicable. Functional consequence: functionally_normal.
ClinVar note: "not provided" was previously submitted as the classification for the variant. However, the classification appeared to be based only on an observation of functional data so it was converted to no classification on 2025-07-30.

NM_007294.4(BRCA1):c.56A>T (p.Gln19Leu)

Gene: BRCA1 (BRCA1 DNA repair associated; minus strand). Cytogenetic location: 17q21.31.
Variant type: single nucleotide variant.
Coding change: c.56A>T on transcript NM_007294.4 (MANE Select); coding-DNA position 56, A replaced by T.
Protein change: p.Gln19Leu; replaces glutamine 19 with leucine.
Molecular consequence: missense variant. On other transcripts: 5 prime UTR variant (1), non-coding transcript variant (1).
Genome position (GRCh38, 1-based): chr17:43,124,041, T>A on the plus strand (A>T on the coding strand, the complement: BRCA1 is on the minus strand). VCF-style: chr17-43124041-T-A. GRCh37 (hg19) VCF-style: chr17-41276058-T-A.
Other names: c.-133A>T (NM_001407571.1, NM_001407853.1, NM_001407879.1 and 46 more transcripts); c.56A>T, p.Gln19Leu (NM_001407581.1, NM_001407582.1, NM_001407583.1 and 193 more transcripts); c.-202A>T (NM_001407731.1, NM_001407733.1, NM_001407749.1 and 11 more transcripts); c.-32A>T (NM_001407732.1, NM_001407736.1, NM_001407738.1 and 23 more transcripts); c.-205A>T (NM_001407734.1, NM_001407739.1, NM_001407740.1 and 22 more transcripts); c.-209A>T (NM_001407741.1, NM_001407934.1, NM_001408497.1); c.-151A>T (NM_001407751.1, NM_001407726.1); c.-82A>T (NM_001407841.1); and 8 more; short protein forms Q19L.
Identifiers: ClinVar variation 867728 (VCV000867728.3), dbSNP rs2055725680, ClinGen allele CA10602044.
Genomic context (GRCh38, chr17:43,124,041, plus strand): 5'-GGAATCCCAAATTAATACACTCTTGTGCTGACTTACCAGATGGGACACTCTAAGATTTTC[T>A]GCATAGCATTAATGACATTTTGTACTTCTTCAACGCGAAGAGCAGATAAATCCATTTCTT-3'
Protein context (NP_009225.1, residues 9-29): EEVQNVINAM[Gln19Leu]KILECPICLE